The following is an entry in ClinVar:

ClinVar aggregate classification (germline): Uncertain significance (1 of 4 stars; one submission).

Conditions:
Perlman syndrome (PRLMNS). Identifiers: Orphanet 2849, MedGen C0796113, MONDO:0009965, OMIM 267000.

Submission:

Labcorp Genetics (formerly Invitae), Labcorp
Classification: Uncertain significance for Perlman syndrome. Last evaluated: 2022-10-27. Review status: criteria provided, single submitter. Criteria: Invitae Variant Classification Sherloc (09022015). Collection method: clinical testing. Allele origin: germline.
Comment: This variant results in a copy number gain of the genomic region encompassing exon(s) 17-21 of the DIS3L2 gene. This region includes the termination codon of the gene. This copy number gain extends beyond the assayed region for this gene and therefore may encompass additional genes. As the precise location of this event is unknown, it may be in tandem or it may be located elsewhere in the genome. This variant has not been reported in the literature in individuals affected with DIS3L2-related conditions. Experimental studies and prediction algorithms are not available or were not evaluated, and the functional significance of this variant is currently unknown. In summary, the available evidence is currently insufficient to determine the role of this variant in disease. Therefore, it has been classified as a Variant of Uncertain Significance.

NC_000002.11:g.(?_233198530)_(233201340_?)dup

Gene: DIS3L2 (DIS3 like 3'-5' exoribonuclease 2; plus strand). Cytogenetic location: 2q37.1.
Variant type: Duplication.
Identifiers: ClinVar variation 2427371 (VCV002427371.3).